The following is an entry in ClinVar:

ClinVar aggregate classification (germline): Uncertain significance. Review status: criteria provided, multiple submitters, no conflicts (2 of 4 stars). 2 submissions from 2 submitters: Uncertain significance (2). Last evaluated 2025-02-01.

Allele frequency attached by ClinVar (database versions not stated): TOPMed below 0.00001.

Submissions (2):

CeGaT Center for Human Genetics Tuebingen
Classification: Uncertain significance. Last evaluated: 2025-02-01. Review status: criteria provided, single submitter. Criteria: CeGaT Center For Human Genetics Tuebingen Variant Classification Criteria Version 2. Collection method: clinical testing. Allele origin: germline. Affected: yes. Observed: 1 variant allele.
Comment: COL1A1: PM2

GeneDx
Classification: Uncertain significance. Last evaluated: 2023-07-18. Review status: criteria provided, single submitter. Criteria: GeneDx Variant Classification Process June 2021. Collection method: clinical testing. Allele origin: germline. Affected: yes.

NM_000088.4(COL1A1):c.1126C>T (p.Pro376Ser)

Gene: COL1A1 (collagen type I alpha 1 chain; minus strand). Cytogenetic location: 17q21.33.
Variant type: single nucleotide variant.
Coding change: c.1126C>T on transcript NM_000088.4 (MANE Select); coding-DNA position 1126, C replaced by T.
Protein change: p.Pro376Ser; replaces proline 376 with serine.
Molecular consequence: missense variant.
Genome position (GRCh38, 1-based): chr17:50,195,596, G>A on the plus strand (C>T on the coding strand, the complement: COL1A1 is on the minus strand). VCF-style: chr17-50195596-G-A. GRCh37 (hg19) VCF-style: chr17-48272957-G-A.
Other names: short protein forms P376S.
Identifiers: ClinVar variation 2572746 (VCV002572746.14), dbSNP rs1907511278, ClinGen allele CA400219722.